The following is an entry in ClinVar:

NM_001042413.2(GLIS3):c.1842C>T (p.Arg614=)

Gene: GLIS3 (GLIS family zinc finger 3; minus strand). Cytogenetic location: 9p24.2.
Variant type: single nucleotide variant.
Coding change: c.1842C>T on transcript NM_001042413.2 (MANE Select); coding-DNA position 1842, C replaced by T.
Protein change: p.Arg614=; no amino-acid change (arginine 614 retained).
Molecular consequence: synonymous variant.
Genome position (GRCh38, 1-based): chr9:3,937,058, G>A on the plus strand (C>T on the coding strand, the complement: GLIS3 is on the minus strand). VCF-style: chr9-3937058-G-A. GRCh37 (hg19) VCF-style: chr9-3937058-G-A.
Other names: c.1377C>T, p.Arg459= (NM_152629.4).
Identifiers: ClinVar variation 912867 (VCV000912867.11), dbSNP rs758753292, ClinGen allele CA188907865.

ClinVar aggregate classification (germline): Conflicting classifications of pathogenicity. Review status: criteria provided, conflicting classifications (1 of 4 stars). 2 submissions from 2 submitters: Uncertain significance (1); Likely benign (1). Last evaluated 2024-12-16.

Conditions:
Neonatal diabetes mellitus with congenital hypothyroidism. Also called: NDH SYNDROME. Identifiers: Orphanet 79118, MedGen C1857775, MONDO:0012436, OMIM 610199.

Allele frequency attached by ClinVar (database versions not stated): TOPMed 0.00002; gnomAD 0.00003 and 0.00004.
gnomAD v4.1: 54 of 1,613,212 alleles (0.0033%); highest among the groups gnomAD compares: Middle Eastern, 0.26%; no homozygotes.

Submissions (2):

Labcorp Genetics (formerly Invitae), Labcorp
Classification: Likely benign. Last evaluated: 2024-12-16. Review status: criteria provided, single submitter. Criteria: Invitae Variant Classification Sherloc (09022015). Collection method: clinical testing. Allele origin: germline.

Illumina Laboratory Services, Illumina
Classification: Uncertain significance for Neonatal diabetes mellitus with congenital hypothyroidism. Last evaluated: 2017-04-27. Review status: criteria provided, single submitter. Criteria: ICSL Variant Classification Criteria 13 December 2019. Collection method: clinical testing. Allele origin: germline.
Comment: This variant was observed as part of a predisposition screen in an ostensibly healthy population. A literature search was performed for the gene, cDNA change, and amino acid change (where applicable). Publications were found based on this search. However, the evidence from the literature, in combination with allele frequency data from public databases where available, was not sufficient to rule this variant in or out of causing disease. Therefore, this variant is classified as a variant of unknown significance.

Literature cited by the submitters: PubMed 18263616 (cited by Illumina Laboratory Services, Illumina).